The following is an entry in ClinVar:

NM_015102.5(NPHP4):c.3877G>A (p.Val1293Met)

Gene: NPHP4 (nephrocystin 4; minus strand). Cytogenetic location: 1p36.31.
Variant type: single nucleotide variant.
Coding change: c.3877G>A on transcript NM_015102.5 (MANE Select); coding-DNA position 3877, G replaced by A.
Protein change: p.Val1293Met; replaces valine 1293 with methionine.
Molecular consequence: missense variant. On other transcripts: non-coding transcript variant (1).
Genome position (GRCh38, 1-based): chr1:5,864,457, C>T on the plus strand (G>A on the coding strand, the complement: NPHP4 is on the minus strand). VCF-style: chr1-5864457-C-T. GRCh37 (hg19) VCF-style: chr1-5924517-C-T.
Other names: c.3877G>A (NM_015102.3); c.2338G>A, p.Val780Met (NM_001291593.2); c.2341G>A, p.Val781Met (NM_001291594.2); short protein forms V781M, V1293M, V780M.
Identifiers: ClinVar variation 1419186 (VCV001419186.8), dbSNP rs769488870, ClinGen allele CA553432.

ClinVar aggregate classification (germline): Uncertain significance. Review status: criteria provided, multiple submitters, no conflicts (2 of 4 stars). 3 submissions from 3 submitters: Uncertain significance (3). Last evaluated 2024-07-08.

Conditions:
Inborn genetic diseases. Identifiers: MedGen C0950123, MeSH D030342.
Nephronophthisis. Also called: Juvenile Nephronophthisis. Identifiers: Orphanet 655, MedGen C0687120, MONDO:0019005, HP:0000090.

Allele frequency attached by ClinVar (database versions not stated): gnomAD 0.00001.
gnomAD v4.1: 13 of 1,605,220 alleles (0.00081%); highest among the groups gnomAD compares: Admixed American, 0.0034%; no homozygotes.

Submissions (3):

Blueprint Genetics
Classification: Uncertain significance. Last evaluated: 2024-07-08. Review status: criteria provided, single submitter. Criteria: ACMG Guidelines, 2015. Collection method: clinical testing. Allele origin: germline.

Labcorp Genetics (formerly Invitae), Labcorp
Classification: Uncertain significance for Nephronophthisis. Last evaluated: 2022-10-25. Review status: criteria provided, single submitter. Criteria: Invitae Variant Classification Sherloc (09022015). Collection method: clinical testing. Allele origin: germline.
Comment: In summary, the available evidence is currently insufficient to determine the role of this variant in disease. Therefore, it has been classified as a Variant of Uncertain Significance. Advanced modeling of protein sequence and biophysical properties (such as structural, functional, and spatial information, amino acid conservation, physicochemical variation, residue mobility, and thermodynamic stability) performed at Invitae indicates that this missense variant is expected to disrupt NPHP4 protein function. ClinVar contains an entry for this variant (Variation ID: 1419186). This variant has not been reported in the literature in individuals affected with NPHP4-related conditions. This variant is present in population databases (rs769488870, gnomAD 0.006%). This sequence change replaces valine, which is neutral and non-polar, with methionine, which is neutral and non-polar, at codon 1293 of the NPHP4 protein (p.Val1293Met).

Ambry Genetics
Classification: Uncertain significance for Inborn genetic diseases. Last evaluated: 2022-05-04. Review status: criteria provided, single submitter. Criteria: Ambry Variant Classification Scheme 2023. Collection method: clinical testing. Allele origin: germline.